The following is an entry in ClinVar:

NM_000275.3(OCA2):c.374_375del (p.Glu125fs)

Gene: OCA2 (OCA2 melanosomal transmembrane protein; minus strand). Cytogenetic location: 15q13.1.
Variant type: Microsatellite.
Coding change: c.374_375del on transcript NM_000275.3 (MANE Select); coding-DNA positions 374 to 375, 2 bases deleted (AG; older notation c.374_375delAG).
Protein change: p.Glu125fs; shifts the reading frame from glutamic acid 125.
Molecular consequence: frameshift variant.
Genome position (GRCh38, 1-based): chr15:28,028,011-28,028,012, CT deleted on the plus strand (AG on the coding strand, the reverse complement: OCA2 is on the minus strand); deleting any 2 consecutive bases within chr15:28,028,011-28,028,014 gives the same sequence; the c. name uses the placement nearest the transcript's 3' end. VCF-style (leftmost placement, unchanged base first): chr15-28028010-ACT-A. GRCh37 (hg19) VCF-style: chr15-28273156-ACT-A.
Other names: c.374_375del, p.Glu125fs (NM_001300984.2); short protein forms E125fs.
Identifiers: ClinVar variation 1704408 (VCV001704408.7), dbSNP rs756918960, ClinGen allele CA7439504.

ClinVar aggregate classification (germline): Pathogenic/Likely pathogenic. Review status: criteria provided, multiple submitters, no conflicts (2 of 4 stars). 3 submissions from 3 submitters: Pathogenic (2); Likely pathogenic (1). Last evaluated 2026-03-13.

Conditions:
Tyrosinase-positive oculocutaneous albinism (OCA2). Also called: Albinism, oculocutaneous, type II; ALBINISM II; Oculocutaneous albinism type 2. Identifiers: Orphanet 79432, MedGen C0268495, MONDO:0008746, OMIM 203200.

Submissions (3):

Myriad Genetics, Inc.
Classification: Pathogenic for Tyrosinase-positive oculocutaneous albinism. Last evaluated: 2026-03-13. Review status: criteria provided, single submitter. Criteria: Myriad Autosomal Dominant, Autosomal Recessive and X-Linked Classification Criteria (2023). Collection method: clinical testing. Allele origin: unknown.
Comment: NM_000275.2(OCA2):c.374_375delAG(E125Vfs*8) is a frameshift variant classified as pathogenic in the context of oculocutaneous albinism, OCA2-related. E125Vfs*8 has been observed in a case with relevant disease (PMID: 39636647). Relevant functional assessments of this variant are not available in the literature. E125Vfs*8 has been observed in referenced population frequency databases. In summary, NM_000275.2(OCA2):c.374_375delAG(E125Vfs*8) is a frameshift variant in a gene where loss of function is a known mechanism of disease and is predicted to disrupt protein function. Please note: this variant was assessed in the context of healthy population screening.

Labcorp Genetics (formerly Invitae), Labcorp
Classification: Pathogenic. Last evaluated: 2024-08-20. Review status: criteria provided, single submitter. Criteria: Invitae Variant Classification Sherloc (09022015). Collection method: clinical testing. Allele origin: germline.
Comment: This sequence change creates a premature translational stop signal (p.Glu125Valfs*8) in the OCA2 gene. It is expected to result in an absent or disrupted protein product. Loss-of-function variants in OCA2 are known to be pathogenic (PMID: 19865097, 21541274). This variant is present in population databases (rs756918960, gnomAD 0.02%). This variant has not been reported in the literature in individuals affected with OCA2-related conditions. For these reasons, this variant has been classified as Pathogenic.

Johns Hopkins Genomics, Johns Hopkins University
Classification: Likely pathogenic for Tyrosinase-positive oculocutaneous albinism. Last evaluated: 2022-07-15. Review status: criteria provided, single submitter. Criteria: ACMG Guidelines, 2015. Collection method: clinical testing. Allele origin: germline.
Comment: This OCA2 variant (rs756918960) is rare (<0.1%) in a large population dataset (gnomAD: 4/251488 total alleles; 0.002%; no homozygotes) and has not been reported in ClinVar nor the literature, to our knowledge. This frameshift variant (p.Glu125fs) in exon 4 of 24 results in a premature termination signal likely leading to nonsense-mediated decay and lack of protein production. We consider c.374_375del to be likely pathogenic.

Literature cited by the submitters: PubMed 39636647 (cited by Myriad Genetics, Inc.); PubMed 19865097 (cited by Labcorp Genetics (formerly Invitae), Labcorp); PubMed 21541274 (cited by Labcorp Genetics (formerly Invitae), Labcorp and Johns Hopkins Genomics, Johns Hopkins University); PubMed 10094567 (cited by Johns Hopkins Genomics, Johns Hopkins University); PubMed 15712365 (cited by Johns Hopkins Genomics, Johns Hopkins University).